The following is an entry in ClinVar:

ClinVar aggregate classification (germline): Pathogenic/Likely pathogenic. Review status: criteria provided, multiple submitters, no conflicts (2 of 4 stars). 4 submissions from 4 submitters: Pathogenic (3); Likely pathogenic (1). Last evaluated 2025-09-03.

Conditions:
Hereditary hemorrhagic telangiectasia (HHT). Also called: Osler hemorrhagic telangiectasia syndrome; ORW DISEASE; Osler Weber Rendu syndrome; OSLER-RENDU-WEBER DISEASE. Identifiers: Orphanet 774, MedGen C0039445, MONDO:0019180. Disease mechanism: loss of function.
Cardiovascular phenotype. Identifiers: MedGen CN230736.
Telangiectasia, hereditary hemorrhagic, type 1 (HHT1). Also called: Osler Weber Rendu syndrome type 1; ENG-Related Hereditary Hemorrhagic Telangiectasia. Identifiers: Orphanet 774, MedGen C4551861, MONDO:0008535, OMIM 187300. Disease mechanism: loss of function.

Submissions (4):

Labcorp Genetics (formerly Invitae), Labcorp
Classification: Pathogenic for Hereditary hemorrhagic telangiectasia. Last evaluated: 2025-09-03. Review status: criteria provided, single submitter. Criteria: Invitae Variant Classification Sherloc (09022015). Collection method: clinical testing. Allele origin: germline.
Comment: This sequence change creates a premature translational stop signal (p.Lys438*) in the ENG gene. It is expected to result in an absent or disrupted protein product. Loss-of-function variants in ENG are known to be pathogenic (PMID: 15879500). This variant is not present in population databases (gnomAD no frequency). This variant has not been reported in the literature in individuals affected with ENG-related conditions. ClinVar contains an entry for this variant (Variation ID: 213210). For these reasons, this variant has been classified as Pathogenic.

Neuberg Centre For Genomic Medicine, NCGM
Classification: Likely pathogenic for Telangiectasia, hereditary hemorrhagic, type 1. Last evaluated: 2023-06-22. Review status: criteria provided, single submitter. Criteria: ACMG Guidelines, 2015. Collection method: clinical testing. Allele origin: germline. Inheritance: Autosomal dominant inheritance. Affected: yes.
Comment: The stop gained c.1312A>T(p.Lys438Ter) variant in ENG gene has been submitted to the ClinVar database as Pathogenic. This variant has not been reported in the literature in individuals, to our knowledge. The c.1312A>T variant is absent in gnomAD Exomes. Computational evidence (MutationTaster -Disease causing) predicts damaging effect on protein structure and function for this variant. The nucleotide change c.1312A>T in ENG is predicted as conserved by GERP++ and PhyloP across 100 vertebrates. This variant is predicted to cause loss of normal protein function through protein truncation. Loss of function variants have been previously reported to be disease causing (Suzuki A, et. al., 2012). Additional functional studies are required to prove pathogenicity of the variant. For these reasons, this variant has been classified as Likely Pathogenic.

Ambry Genetics
Classification: Pathogenic for Cardiovascular phenotype. Last evaluated: 2023-03-03. Review status: criteria provided, single submitter. Criteria: Ambry Variant Classification Scheme 2023. Collection method: clinical testing. Allele origin: germline.
Comment: The p.K438* pathogenic mutation (also known as c.1312A>T), located in coding exon 11 of the ENG gene, results from an A to T substitution at nucleotide position 1312. This changes the amino acid from a lysine to a stop codon within coding exon 11. This variant is considered to be rare based on population cohorts in the Genome Aggregation Database (gnomAD). This alteration is expected to result in loss of function by premature protein truncation or nonsense-mediated mRNA decay. As such, this alteration is interpreted as a disease-causing mutation.

GeneDx
Classification: Pathogenic. Last evaluated: 2017-08-21. Review status: criteria provided, single submitter. Criteria: GeneDx Variant Classification (06012015). Collection method: clinical testing. Allele origin: germline. Affected: yes.
Comment: The K438X variant in the ENG gene has not been reported as a pathogenic or benign to our knowledge and it is not observed in large population cohorts (Lek et al., 2016; 1000 Genomes Consortium et al., 2015; Exome Variant Server). This variant is predicted to cause loss of normal protein function either by protein truncation or nonsense-mediated mRNA decay. Other nonsense variants in the ENG gene have been reported in Human Gene Mutation Database in association with HHT (Stenson et al., 2014).In summary, K438X in the ENG gene is interpreted as a pathogenic variant.

Literature cited by the submitters: PubMed 15879500 (cited by Labcorp Genetics (formerly Invitae), Labcorp).

NM_001114753.3(ENG):c.1312A>T (p.Lys438Ter)

Genes: ENG (endoglin; minus strand), LOC102723566 (uncharacterized LOC102723566; plus strand). Cytogenetic location: 9q34.11.
Variant type: single nucleotide variant.
Coding change: c.1312A>T on transcript NM_001114753.3 (MANE Select); coding-DNA position 1312, A replaced by T.
Protein change: p.Lys438Ter; replaces lysine 438 with a stop codon.
Molecular consequence: nonsense.
Genome position (GRCh38, 1-based): chr9:127,818,832, T>A on the plus strand (A>T on the coding strand, the complement: ENG is on the minus strand). VCF-style: chr9-127818832-T-A. GRCh37 (hg19) VCF-style: chr9-130581111-T-A.
Other names: p.K438*:AAA>TAA; c.1312A>T, p.Lys438Ter (NM_000118.4); c.766A>T, p.Lys256Ter (NM_001278138.2); short protein forms K438*, K256*.
Identifiers: ClinVar variation 213210 (VCV000213210.14), dbSNP rs863223536, ClinGen allele CA322837.
Genomic context (GRCh38, chr9:127,818,832, plus strand): 5'-GGCTGAGGTAGAGGCCCAGCTGGAAAGAGAGGCTGTCCATGTTGAGGCAGTGCACCTTTT[T>A]CTGGGGGAGGACGGGAGGGAGACTTGGTCAATCTGGCGGCGCCAGCCAGGAGGGCGAGGG-3'